The following is an entry in ClinVar:

ClinVar aggregate classification (germline): Uncertain significance (1 of 4 stars; one submission).

Conditions:
Inborn genetic diseases. Identifiers: MedGen C0950123, MeSH D030342.

gnomAD v4.1: 7 of 1,612,796 alleles (0.00043%); highest among the groups gnomAD compares: Non-Finnish European, 0.000085%; no homozygotes.

Submission:

Ambry Genetics
Classification: Uncertain significance for Inborn genetic diseases. Last evaluated: 2025-08-02. Review status: criteria provided, single submitter. Criteria: Ambry Variant Classification Scheme 2023. Collection method: clinical testing. Allele origin: germline.
Comment: The p.L404F variant (also known as c.1212G>T), located in coding exon 1 of the SAMD9 gene, results from a G to T substitution at nucleotide position 1212. The leucine at codon 404 is replaced by phenylalanine, an amino acid with highly similar properties. This amino acid position is conserved. In addition, this alteration is predicted to be tolerated by in silico analysis. Based on the available evidence, the clinical significance of this variant remains unclear.

NM_017654.4(SAMD9):c.1212G>T (p.Leu404Phe)

Gene: SAMD9 (sterile alpha motif domain containing 9; minus strand). Cytogenetic location: 7q21.2.
Variant type: single nucleotide variant.
Coding change: c.1212G>T on transcript NM_017654.4 (MANE Select); coding-DNA position 1212, G replaced by T.
Protein change: p.Leu404Phe; replaces leucine 404 with phenylalanine.
Molecular consequence: missense variant.
Genome position (GRCh38, 1-based): chr7:93,104,886, C>A on the plus strand (G>T on the coding strand, the complement: SAMD9 is on the minus strand). VCF-style: chr7-93104886-C-A. GRCh37 (hg19) VCF-style: chr7-92734199-C-A.
Other names: c.1212G>T, p.Leu404Phe (NM_001193307.2); short protein forms L404F.
Identifiers: ClinVar variation 4159123 (VCV004159123.1).